The following is an entry in ClinVar:

ClinVar aggregate classification (germline): Pathogenic (1 of 4 stars; one submission).

Conditions:
Spastic paraplegia. Identifiers: MedGen C0037772, HP:0001258.

Submission:

Labcorp Genetics (formerly Invitae), Labcorp
Classification: Pathogenic for Spastic paraplegia. Last evaluated: 2021-10-04. Review status: criteria provided, single submitter. Criteria: Invitae Variant Classification Sherloc (09022015). Collection method: clinical testing. Allele origin: germline.
Comment: For these reasons, this variant has been classified as Pathogenic. Algorithms developed to predict the effect of sequence changes on RNA splicing suggest that this variant may create or strengthen a splice site. This variant has not been reported in the literature in individuals affected with CYP7B1-related conditions. This variant is not present in population databases (ExAC no frequency). This sequence change creates a premature translational stop signal (p.Tyr365*) in the CYP7B1 gene. It is expected to result in an absent or disrupted protein product. Loss-of-function variants in CYP7B1 are known to be pathogenic (PMID: 9802883, 19363635, 19439420, 21541746, 21567895, 28039895).

Literature cited by the submitters: PubMed 9802883; PubMed 19363635; PubMed 19439420; PubMed 21541746; PubMed 21567895; PubMed 28039895.

NM_004820.5(CYP7B1):c.1095T>G (p.Tyr365Ter)

Gene: CYP7B1 (cytochrome P450 family 7 subfamily B member 1; minus strand). Cytogenetic location: 8q12.3.
Variant type: single nucleotide variant.
Coding change: c.1095T>G on transcript NM_004820.5 (MANE Select); coding-DNA position 1095, T replaced by G.
Protein change: p.Tyr365Ter; replaces tyrosine 365 with a stop codon.
Molecular consequence: nonsense.
Genome position (GRCh38, 1-based): chr8:64,604,820, A>C on the plus strand (T>G on the coding strand, the complement: CYP7B1 is on the minus strand). VCF-style: chr8-64604820-A-C. GRCh37 (hg19) VCF-style: chr8-65517377-A-C.
Other names: c.1095T>G, p.Tyr365Ter (NM_001324112.2); short protein forms Y365*.
Identifiers: ClinVar variation 1390680 (VCV001390680.6), dbSNP rs2129629945, ClinGen allele CA371334284.